The following is an entry in ClinVar:

ClinVar aggregate classification (germline): Likely benign. Review status: criteria provided, multiple submitters, no conflicts (2 of 4 stars). 4 submissions from 4 submitters: Likely benign (4). Last evaluated 2026-01-31.

Conditions:
Hereditary cancer-predisposing syndrome. Also called: Neoplastic Syndromes, Hereditary; Tumor predisposition; Hereditary neoplastic syndrome; Hereditary Cancer Syndrome. Identifiers: Orphanet 140162, MedGen C0027672, MeSH D009386, MONDO:0015356.
Neuroblastoma, susceptibility to, 3. Also called: ALK-Related Neuroblastic Tumor Susceptibility. Identifiers: Orphanet 635, MedGen C2751681, MONDO:0013083, OMIM 613014.

Allele frequency attached by ClinVar (database versions not stated): gnomAD 0.00003 and 0.00004; ExAC 0.00005; gnomAD exomes 0.00005; TOPMed 0.00006; ESP Exome Variant Server 0.00008.
gnomAD v4.1: 74 of 1,614,116 alleles (0.0046%); highest among the groups gnomAD compares: Admixed American, 0.012%; 1 homozygote.

Submissions (4):

Labcorp Genetics (formerly Invitae), Labcorp
Classification: Likely benign for Neuroblastoma, susceptibility to, 3. Last evaluated: 2026-01-31. Review status: criteria provided, single submitter. Criteria: Invitae Variant Classification Sherloc (09022015). Collection method: clinical testing. Allele origin: germline.

CeGaT Center for Human Genetics Tuebingen
Classification: Likely benign. Last evaluated: 2025-08-01. Review status: criteria provided, single submitter. Criteria: CeGaT Center For Human Genetics Tuebingen Variant Classification Criteria Version 2. Collection method: clinical testing. Allele origin: germline. Affected: yes. Observed: 1 variant allele.
Comment: ALK: BP4, BP7

Ambry Genetics
Classification: Likely benign for Hereditary cancer-predisposing syndrome. Last evaluated: 2022-03-03. Review status: criteria provided, single submitter. Criteria: Ambry Variant Classification Scheme 2023. Collection method: clinical testing. Allele origin: germline.

Illumina Laboratory Services, Illumina
Classification: Likely benign for Neuroblastoma, susceptibility to, 3. Last evaluated: 2018-01-13. Review status: criteria provided, single submitter. Criteria: ICSL Variant Classification Criteria 13 December 2019. Collection method: clinical testing. Allele origin: germline.
Comment: This variant was observed in the ICSL laboratory as part of a predisposition screen in an ostensibly healthy population. It had not been previously curated by ICSL or reported in the Human Gene Mutation Database (HGMD: prior to June 1st, 2018), and was therefore a candidate for classification through an automated scoring system. Utilizing variant allele frequency, disease prevalence and penetrance estimates, and inheritance mode, an automated score was calculated to assess if this variant is too frequent to cause the disease. Based on the score and internal cut-off values, a variant classified as likely benign is not then subjected to further curation. The score for this variant resulted in a classification of likely benign for this disease.

NM_004304.5(ALK):c.2598G>A (p.Ser866=)

Gene: ALK (ALK receptor tyrosine kinase; minus strand). Cytogenetic location: 2p23.2.
Variant type: single nucleotide variant.
Coding change: c.2598G>A on transcript NM_004304.5 (MANE Select); coding-DNA position 2598, G replaced by A.
Protein change: p.Ser866=; no amino-acid change (serine 866 retained).
Molecular consequence: synonymous variant.
Genome position (GRCh38, 1-based): chr2:29,232,338, C>T on the plus strand (G>A on the coding strand, the complement: ALK is on the minus strand). VCF-style: chr2-29232338-C-T. GRCh37 (hg19) VCF-style: chr2-29455204-C-T.
Identifiers: ClinVar variation 703053 (VCV000703053.26), dbSNP rs56304041, ClinGen allele CA1594256.